The following is an entry in ClinVar:

ClinVar aggregate classification (germline): Uncertain significance (1 of 4 stars; one submission).

Allele frequency attached by ClinVar (database versions not stated): gnomAD 0.00001; gnomAD exomes 0.00001; TOPMed 0.00002.
gnomAD v4.1: 8 of 1,610,748 alleles (0.0005%); highest among the groups gnomAD compares: Non-Finnish European, 0.00068%; no homozygotes.

Submission:

Labcorp Genetics (formerly Invitae), Labcorp
Classification: Uncertain significance. Last evaluated: 2023-12-18. Review status: criteria provided, single submitter. Criteria: Invitae Variant Classification Sherloc (09022015). Collection method: clinical testing. Allele origin: germline.
Comment: This sequence change replaces aspartic acid, which is acidic and polar, with tyrosine, which is neutral and polar, at codon 121 of the SNIP1 protein (p.Asp121Tyr). This variant is present in population databases (no rsID available, gnomAD 0.002%). This variant has not been reported in the literature in individuals affected with SNIP1-related conditions. ClinVar contains an entry for this variant (Variation ID: 1356103). Advanced modeling of protein sequence and biophysical properties (such as structural, functional, and spatial information, amino acid conservation, physicochemical variation, residue mobility, and thermodynamic stability) performed at Invitae indicates that this missense variant is not expected to disrupt SNIP1 protein function with a negative predictive value of 80%. In summary, the available evidence is currently insufficient to determine the role of this variant in disease. Therefore, it has been classified as a Variant of Uncertain Significance.

NM_024700.4(SNIP1):c.361G>T (p.Asp121Tyr)

Genes: SNIP1 (Smad nuclear interacting protein 1; minus strand), LOC126805704 (BRD4-independent group 4 enhancer GRCh37_chr1:38005292-38006491; plus strand). Cytogenetic location: 1p34.3.
Variant type: single nucleotide variant.
Coding change: c.361G>T on transcript NM_024700.4 (MANE Select); coding-DNA position 361, G replaced by T.
Protein change: p.Asp121Tyr; replaces aspartic acid 121 with tyrosine.
Molecular consequence: missense variant.
Genome position (GRCh38, 1-based): chr1:37,540,722, C>A on the plus strand (G>T on the coding strand, the complement: SNIP1 is on the minus strand). VCF-style: chr1-37540722-C-A. GRCh37 (hg19) VCF-style: chr1-38006323-C-A.
Other names: short protein forms D121Y.
Identifiers: ClinVar variation 1356103 (VCV001356103.8), dbSNP rs1157379746, ClinGen allele CA339452884.
Genomic context (GRCh38, chr1:37,540,722, plus strand): 5'-CCCGGTCACTGTTCCTAGCTCTCCTGTGTTCCTGTTCTGATGGTTCCCTGTGCTGCCGAT[C>A]CTCCCGTCCTCTCCGGGGATGATCCTCACGCTCCTAAAATTCAAACAGATTCTGTAATTT-3'
Protein context (NP_078976.2, residues 111-131): REDHPRRGRE[Asp121Tyr]RQHREPSEQE